The following is an entry in ClinVar:

NM_001267550.2(TTN):c.107348G>T (p.Cys35783Phe)

Genes: TTN (titin; minus strand), TTN-AS1 (TTN antisense RNA 1; plus strand). Cytogenetic location: 2q31.2.
Variant type: single nucleotide variant.
Coding change: c.107348G>T on transcript NM_001267550.2 (MANE Select); coding-DNA position 107348, G replaced by T.
Protein change: p.Cys35783Phe; replaces cysteine 35783 with phenylalanine.
Molecular consequence: missense variant.
Genome position (GRCh38, 1-based): chr2:178,528,303, C>A on the plus strand (G>T on the coding strand, the complement: TTN is on the minus strand). VCF-style: chr2-178528303-C-A. GRCh37 (hg19) VCF-style: chr2-179393030-C-A.
Other names: c.102425G>T, p.Cys34142Phe (NM_001256850.1); c.80153G>T, p.Cys26718Phe (NM_003319.4); c.99644G>T, p.Cys33215Phe (NM_133378.4); c.80528G>T, p.Cys26843Phe (NM_133432.3); c.80729G>T, p.Cys26910Phe (NM_133437.4); short protein forms C26718F, C26843F, C26910F, C33215F, C34142F, C35783F.
Identifiers: ClinVar variation 952359 (VCV000952359.9), dbSNP rs1473450556, ClinGen allele CA349401266.
Genomic context (GRCh38, chr2:178,528,303, plus strand): 5'-ATGTAAGGAAGAAGGGTGAGGAGATACTTACGAAGGACCATTAAGGAAGCTGTAGCTGAA[C>A]ACTGGCCACGGAAATTTTTGGCCTTAATTGTGTACTTTCCACTGTCGCTGACTGATGCAT-3'
Protein context (NP_001254479.2, residues 35773-35793): TIKAKNFRGQ[Cys35783Phe]SATASLMVLP

ClinVar aggregate classification (germline): Uncertain significance. Review status: criteria provided, multiple submitters, no conflicts (2 of 4 stars). 2 submissions from 2 submitters: Uncertain significance (2). Last evaluated 2023-12-14.

Conditions:
Myopathy, myofibrillar, 9, with early respiratory failure (MFM9). Also called: MYOPATHY, PROXIMAL, WITH EARLY RESPIRATORY MUSCLE INVOLVEMENT; Myopathy, distal, with early respiratory failure, autosomal dominant; Hereditary myopathy with early respiratory failure; EDSTROM MYOPATHY. Identifiers: Orphanet 178464, Orphanet 34521, MedGen C1863599, MONDO:0011362, OMIM 603689.
Dilated cardiomyopathy 1G (CMD1G). Identifiers: Orphanet 154, MedGen C1858763, MONDO:0011400, OMIM 604145.
Autosomal recessive limb-girdle muscular dystrophy type 2J (LGMDR10). Also called: MUSCULAR DYSTROPHY, LIMB-GIRDLE, AUTOSOMAL RECESSIVE 10; Limb-girdle muscular dystrophy, type 2J. Identifiers: Orphanet 140922, MedGen C1837342, MONDO:0012127, OMIM 608807.

Allele frequency attached by ClinVar (database versions not stated): TOPMed 0.00002.

Submissions (2):

Labcorp Genetics (formerly Invitae), Labcorp
Classification: Uncertain significance for Dilated cardiomyopathy 1G; Autosomal recessive limb-girdle muscular dystrophy type 2J. Last evaluated: 2023-12-14. Review status: criteria provided, single submitter. Criteria: Invitae Variant Classification Sherloc (09022015). Collection method: clinical testing. Allele origin: germline.
Comment: This sequence change replaces cysteine, which is neutral and slightly polar, with phenylalanine, which is neutral and non-polar, at codon 35783 of the TTN protein (p.Cys35783Phe). This variant is not present in population databases (gnomAD no frequency). This variant has not been reported in the literature in individuals affected with TTN-related conditions. ClinVar contains an entry for this variant (Variation ID: 952359). Experimental studies and prediction algorithms are not available or were not evaluated, and the functional significance of this variant is currently unknown. This variant is located in the M band of TTN (PMID: 25589632). Non-truncating variants in this region may be relevant for neuromuscular disorders, but have not been definitively shown to cause cardiomyopathy (PMID: 23975875). In summary, the available evidence is currently insufficient to determine the role of this variant in disease. Therefore, it has been classified as a Variant of Uncertain Significance.

Baylor Genetics
Classification: Uncertain significance for Myopathy, myofibrillar, 9, with early respiratory failure. Last evaluated: 2019-04-18. Review status: criteria provided, single submitter. Criteria: ACMG Guidelines, 2015. Collection method: clinical testing. Allele origin: paternal. Affected: yes.
Comment: This variant was determined to be of uncertain significance according to ACMG Guidelines, 2015 [PMID:25741868].

Literature cited by the submitters: PubMed 25589632 (cited by Labcorp Genetics (formerly Invitae), Labcorp); PubMed 23975875 (cited by Labcorp Genetics (formerly Invitae), Labcorp).